The following is an entry in ClinVar:

ClinVar aggregate classification (germline): Uncertain significance (1 of 4 stars; one submission).

Conditions:
Immunodeficiency, common variable, 7. Identifiers: Orphanet 1572, Orphanet 696894, MedGen C3542922, MONDO:0013862, OMIM 614699.

Submission:

Labcorp Genetics (formerly Invitae), Labcorp
Classification: Uncertain significance for Immunodeficiency, common variable, 7. Last evaluated: 2022-05-25. Review status: criteria provided, single submitter. Criteria: Invitae Variant Classification Sherloc (09022015). Collection method: clinical testing. Allele origin: germline.
Comment: In summary, the available evidence is currently insufficient to determine the role of this variant in disease. Therefore, it has been classified as a Variant of Uncertain Significance. Algorithms developed to predict the effect of missense changes on protein structure and function (SIFT, PolyPhen-2, Align-GVGD) all suggest that this variant is likely to be tolerated. This sequence change replaces isoleucine, which is neutral and non-polar, with valine, which is neutral and non-polar, at codon 231 of the CR2 protein (p.Ile231Val). This variant is not present in population databases (gnomAD no frequency). This variant has not been reported in the literature in individuals affected with CR2-related conditions.

NM_001006658.3(CR2):c.691A>G (p.Ile231Val)

Gene: CR2 (complement C3d receptor 2; plus strand). Cytogenetic location: 1q32.2.
Variant type: single nucleotide variant.
Coding change: c.691A>G on transcript NM_001006658.3 (MANE Select); coding-DNA position 691, A replaced by G.
Protein change: p.Ile231Val; replaces isoleucine 231 with valine.
Molecular consequence: missense variant.
Genome position (GRCh38, 1-based): chr1:207,468,856, A>G. VCF-style: chr1-207468856-A-G. GRCh37 (hg19) VCF-style: chr1-207642201-A-G.
Other names: c.691A>G, p.Ile231Val (NM_001877.5); short protein forms I231V.
Identifiers: ClinVar variation 1995628 (VCV001995628.4), dbSNP rs2527211119, ClinGen allele CA344526770.
Genomic context (GRCh38, chr1:207,468,856, plus strand): 5'-TTAGAGGCACGCTGTAAATCTCTAGGACGATTTCCCAATGGGAAGGTAAAGGAGCCTCCA[A>G]TTCTCCGGGTTGGTGTAACTGCAAACTTTTTCTGTGATGAAGGGTGAGTGTCAGGATTAT-3'
Protein context (NP_001006659.1, residues 221-241): FPNGKVKEPP[Ile231Val]LRVGVTANFF